The following is an entry in ClinVar:

ClinVar aggregate classification (germline): Likely benign. Review status: criteria provided, single submitter (1 of 4 stars). 2 submissions from 2 submitters: Likely benign (1). 1 of the submissions does not count toward it. Last evaluated 2024-07-30.

Conditions:
ANK1-related disorder. Also called: ANK1-related condition.

Allele frequency attached by ClinVar (database versions not stated): gnomAD exomes 0.00001; ExAC 0.00003; TOPMed 0.00009; gnomAD 0.00011.
gnomAD v4.1: 28 of 1,605,500 alleles (0.0017%); highest among the groups gnomAD compares: African/African-American, 0.033%; no homozygotes.

Submissions (2):

Labcorp Genetics (formerly Invitae), Labcorp
Classification: Likely benign. Last evaluated: 2024-07-30. Review status: criteria provided, single submitter. Criteria: Invitae Variant Classification Sherloc (09022015). Collection method: clinical testing. Allele origin: germline.

PreventionGenetics, part of Exact Sciences
Classification: Likely benign for ANK1-related condition. Last evaluated: 2019-05-21. Review status: no assertion criteria provided. Collection method: clinical testing. Allele origin: germline. Not counted in ClinVar's aggregate classification.
Comment: This variant is classified as likely benign based on ACMG/AMP sequence variant interpretation guidelines (Richards et al. 2015 PMID: 25741868, with internal and published modifications).

NM_000037.4(ANK1):c.4569C>T (p.Ser1523=)

Gene: ANK1 (ankyrin 1; minus strand). Cytogenetic location: 8p11.21.
Variant type: single nucleotide variant.
Coding change: c.4569C>T on transcript NM_000037.4 (MANE Select); coding-DNA position 4569, C replaced by T.
Protein change: p.Ser1523=; no amino-acid change (serine 1523 retained).
Molecular consequence: synonymous variant. On other transcripts: intron variant (1).
Genome position (GRCh38, 1-based): chr8:41,672,881, G>A on the plus strand (C>T on the coding strand, the complement: ANK1 is on the minus strand). VCF-style: chr8-41672881-G-A. GRCh37 (hg19) VCF-style: chr8-41530399-G-A.
Other names: c.4692C>T, p.Ser1564= (NM_001142446.2); c.4569C>T, p.Ser1523= (NM_020475.3, NM_020476.3); c.4538-455C>T (NM_020477.3).
Identifiers: ClinVar variation 3042292 (VCV003042292.4), dbSNP rs749315744, ClinGen allele CA4727484.